The following is an entry in ClinVar:

ClinVar aggregate classification (germline): Uncertain significance (1 of 4 stars; one submission).

Submission:

CeGaT Center for Human Genetics Tuebingen
Classification: Uncertain significance. Last evaluated: 2023-05-01. Review status: criteria provided, single submitter. Criteria: CeGaT Center For Human Genetics Tuebingen Variant Classification Criteria Version 2. Collection method: clinical testing. Allele origin: germline. Affected: yes. Observed: 1 variant allele.
Comment: APC: PM2

NM_000038.6(APC):c.4940C>A (p.Thr1647Lys)

Gene: APC (APC regulator of Wnt signaling pathway; plus strand). Cytogenetic location: 5q22.2.
Variant type: single nucleotide variant.
Coding change: c.4940C>A on transcript NM_000038.6 (MANE Select); coding-DNA position 4940, C replaced by A.
Protein change: p.Thr1647Lys; replaces threonine 1647 with lysine.
Molecular consequence: missense variant. On other transcripts: non-coding transcript variant (2).
Genome position (GRCh38, 1-based): chr5:112,840,534, C>A. VCF-style: chr5-112840534-C-A. GRCh37 (hg19) VCF-style: chr5-112176231-C-A.
Other names: c.4940C>A, p.Thr1647Lys (NM_001127510.3, NM_001354895.2, NM_001407450.1); c.4886C>A, p.Thr1629Lys (NM_001127511.3); c.4994C>A, p.Thr1665Lys (NM_001354896.2, NM_001407447.1, NM_001407448.1 and 1 more transcripts); c.4970C>A, p.Thr1657Lys (NM_001354897.2); c.4865C>A, p.Thr1622Lys (NM_001354898.2); c.4856C>A, p.Thr1619Lys (NM_001354899.2); c.4817C>A, p.Thr1606Lys (NM_001354900.2); c.4763C>A, p.Thr1588Lys (NM_001354901.2, NM_001407453.1); and 11 more; short protein forms T1263K, T1364K, T1487K, T1518K, T1521K, T1546K, T1556K, T1564K.
Identifiers: ClinVar variation 2655637 (VCV002655637.24), dbSNP rs2149927945, ClinGen allele CA16032149.
Genomic context (GRCh38, chr5:112,840,534, plus strand): 5'-AAAAGCATGTTAGTTTTACACCGGGGGATGATATGCCACGGGTGTATTGTGTTGAAGGGA[C>A]ACCTATAAACTTTTCCACAGCTACATCTCTAAGTGATCTAACAATCGAATCCCCTCCAAA-3'
Protein context (NP_000029.2, residues 1637-1657): DMPRVYCVEG[Thr1647Lys]PINFSTATSL